The following is an entry in ClinVar:

ClinVar aggregate classification (germline): Uncertain significance (1 of 4 stars; one submission).

Conditions:
Autosomal dominant nonsyndromic hearing loss 7. Also called: Deafness, autosomal dominant 7. Identifiers: Orphanet 90635, MedGen C1832379, MONDO:0011074, OMIM 601412.

gnomAD v4.1: 1 of 1,614,198 alleles (0.000062%); highest among the groups gnomAD compares: Non-Finnish European, 0.000085%; no homozygotes.

Submission:

Victorian Clinical Genetics Services, Murdoch Childrens Research Institute
Classification: Uncertain significance for Autosomal dominant nonsyndromic hearing loss 7. Last evaluated: 2025-06-13. Review status: criteria provided, single submitter. Criteria: ACMG Guidelines, 2015. Collection method: clinical testing. Allele origin: germline. Affected: yes.
Comment: This variant is classified as VUS-3B. Evidence in support of pathogenic classification: Variant is present in gnomAD <0.001 for a dominant condition (v4: 1 heterozygote(s), 0 homozygote(s)); Missense variant predicted to be damaging by in silico tool(s) or highly conserved with a major amino acid change. Additional information: Variant is predicted to result in a missense amino acid change from arginine to leucine; This variant is heterozygous; This gene is associated with autosomal dominant disease; Alternative amino acid change(s) at the same position are present in gnomAD (Highest allele count: v4: 45 heterozygote(s), 0 homozygote(s)); This variant has no previous evidence of pathogenicity; No published segregation evidence has been identified for this variant; No published functional evidence has been identified for this variant; Other missense variants comparable to the one identified in this case have inconclusive previous evidence for pathogenicity. The p.(Arg194Cys), p.(Arg194His), and p.(Arg194Gly) variants have been classified as VUS by clinical laboratories in ClinVar; Variant is not located in an established domain, motif, hotspot or informative constraint region; Loss of function is a known mechanism of disease in this gene and is associated with deafness, autosomal dominant 7 (MIM#601412); Variants in this gene are known to have variable expressivity (PMID: 29754270); Inheritance information for this variant is not currently available in this individual.

Literature cited by the submitters: PubMed 29754270.

NM_177398.4(LMX1A):c.581G>T (p.Arg194Leu)

Gene: LMX1A (LIM homeobox transcription factor 1 alpha; minus strand). Cytogenetic location: 1q23.3.
Variant type: single nucleotide variant.
Coding change: c.581G>T on transcript NM_177398.4 (MANE Select); coding-DNA position 581, G replaced by T.
Protein change: p.Arg194Leu; replaces arginine 194 with leucine.
Molecular consequence: missense variant.
Genome position (GRCh38, 1-based): chr1:165,213,729, C>A on the plus strand (G>T on the coding strand, the complement: LMX1A is on the minus strand). VCF-style: chr1-165213729-C-A. GRCh37 (hg19) VCF-style: chr1-165182966-C-A.
Other names: c.581G>T, p.Arg194Leu (NM_001174069.2); short protein forms R194L.
Identifiers: ClinVar variation 1805025 (VCV001805025.3), dbSNP rs909983869, ClinGen allele CA32213125.